The following is an entry in ClinVar:

ClinVar aggregate classification (germline): Likely pathogenic (1 of 4 stars; one submission).

Submission:

Dasa
Classification: Likely pathogenic. Last evaluated: 2025-06-19. Review status: criteria provided, single submitter. Criteria: DASA Assertion Criteria. Collection method: clinical testing. Allele origin: germline.
Comment: NM_001042424.3(NSD2):c.3384_3387dup (p.Ala1130Argfs*21) is a frameshift variant in NSD2 predicted to alter the reading frame and introduce a premature termination codon and is predicted to result in an absent or altered protein product. Loss of function is an established disease mechanism for NSD2 (PMID: 29760529; PMID: 30345613; PMID: 30244530). Also, this variant is absent from population databases. Based on the currently available evidence, this variant is classified as likely pathogenic.

Literature cited by the submitters: PubMed 29760529; PubMed 30345613; PubMed 30244530.

NM_001042424.3(NSD2):c.3384_3387dup (p.Ala1130fs)

Gene: NSD2 (nuclear receptor binding SET domain protein 2; plus strand). Cytogenetic location: 4p16.3.
Variant type: Duplication.
Coding change: c.3384_3387dup on transcript NM_001042424.3 (MANE Select); coding-DNA positions 3384 to 3387, 4 bases duplicated (AGAC; older notation c.3384_3387dupAGAC).
Protein change: p.Ala1130fs; shifts the reading frame from alanine 1130.
Molecular consequence: frameshift variant.
Genome position (GRCh38, 1-based): chr4:1,974,874-1,974,877, AGAC duplicated. VCF-style (leftmost placement, unchanged base first): chr4-1974873-T-TAGAC. GRCh37 (hg19) VCF-style: chr4-1976600-T-TAGAC.
Other names: c.3384_3387dup, p.Ala1130fs (NM_001440892.1, NM_133330.3, NM_133331.3 and 1 more transcripts); c.3483_3486dup, p.Ala1163fs (NM_001440893.1); c.3267_3270dup, p.Ala1091fs (NM_001440894.1); c.3237_3240dup, p.Ala1081fs (NM_001440895.1); c.3183_3186dup, p.Ala1063fs (NM_001440896.1); c.3177_3180dup, p.Ala1061fs (NM_001440897.1); c.3060_3063dup, p.Ala1022fs (NM_001440898.1); c.2415_2418dup, p.Ala807fs (NM_001440899.1, NM_001440900.1); short protein forms A1022fs, A1061fs, A1063fs, A1081fs, A1091fs, A1130fs, A1163fs, A807fs.
Identifiers: ClinVar variation 4886553 (VCV004886553.2).